The following is an entry in ClinVar:

NM_001375405.1(CEP120):c.1928C>G (p.Thr643Arg)

Gene: CEP120 (centrosomal protein 120; minus strand). Cytogenetic location: 5q23.2.
Variant type: single nucleotide variant.
Coding change: c.1928C>G on transcript NM_001375405.1 (MANE Select); coding-DNA position 1928, C replaced by G.
Protein change: p.Thr643Arg; replaces threonine 643 with arginine.
Molecular consequence: missense variant. On other transcripts: non-coding transcript variant (1).
Genome position (GRCh38, 1-based): chr5:123,382,822, G>C on the plus strand (C>G on the coding strand, the complement: CEP120 is on the minus strand). VCF-style: chr5-123382822-G-C. GRCh37 (hg19) VCF-style: chr5-122718516-G-C.
Other names: c.1850C>G, p.Thr617Arg (NM_001166226.2); c.1793C>G, p.Thr598Arg (NM_001375406.1); c.1928C>G, p.Thr643Arg (NM_001375407.1, NM_153223.4); c.1355C>G, p.Thr452Arg (NM_001375408.1, NM_001375409.1); short protein forms T452R, T598R, T617R, T643R.
Identifiers: ClinVar variation 2420521 (VCV002420521.4), dbSNP rs147996416, ClinGen allele CA3386809.
Genomic context (GRCh38, chr5:123,382,822, plus strand): 5'-ATCTCCTTCCACATTTCTAGCTCAAGTGCTGCTTTGTATTCTAACGTTTCACGAGGCTCT[G>C]TCTGGATCTCTGAAGGACAAGGTGCTGGAGGAAGAGAAGACGGCTTTTGCTGTACGGCAG-3'
Protein context (NP_001362334.1, residues 633-653): PPAPCPSEIQ[Thr643Arg]EPRETLEYKA

ClinVar aggregate classification (germline): Uncertain significance (1 of 4 stars; one submission).

Conditions:
Short-rib thoracic dysplasia 13 with or without polydactyly (SRTD13). Identifiers: Orphanet 474, MedGen C4225378, MONDO:0014577, OMIM 616300.

Allele frequency attached by ClinVar (database versions not stated): ExAC 0.00002; gnomAD 0.00005; ESP Exome Variant Server 0.00008.
gnomAD v4.1: 11 of 1,613,340 alleles (0.00068%); highest among the groups gnomAD compares: Middle Eastern, 0.016%; no homozygotes.

Submission:

Labcorp Genetics (formerly Invitae), Labcorp
Classification: Uncertain significance for Short-rib thoracic dysplasia 13 with or without polydactyly. Last evaluated: 2025-04-14. Review status: criteria provided, single submitter. Criteria: Invitae Variant Classification Sherloc (09022015). Collection method: clinical testing. Allele origin: germline.
Comment: This sequence change replaces threonine, which is neutral and polar, with arginine, which is basic and polar, at codon 643 of the CEP120 protein (p.Thr643Arg). This variant is present in population databases (rs147996416, gnomAD 0.01%). This variant has not been reported in the literature in individuals affected with CEP120-related conditions. ClinVar contains an entry for this variant (Variation ID: 2420521). Invitae Evidence Modeling of protein sequence and biophysical properties (such as structural, functional, and spatial information, amino acid conservation, physicochemical variation, residue mobility, and thermodynamic stability) indicates that this missense variant is not expected to disrupt CEP120 protein function with a negative predictive value of 80%. In summary, the available evidence is currently insufficient to determine the role of this variant in disease. Therefore, it has been classified as a Variant of Uncertain Significance.